The following is an entry in ClinVar:

ClinVar aggregate classification (germline): Uncertain significance (1 of 4 stars; one submission).

Conditions:
DNA ligase IV deficiency. Identifiers: Orphanet 99812, MedGen C1847827, MONDO:0011686, OMIM 606593.

Submission:

Labcorp Genetics (formerly Invitae), Labcorp
Classification: Uncertain significance for DNA ligase IV deficiency. Last evaluated: 2022-10-17. Review status: criteria provided, single submitter. Criteria: Invitae Variant Classification Sherloc (09022015). Collection method: clinical testing. Allele origin: germline.
Comment: This sequence change replaces methionine, which is neutral and non-polar, with leucine, which is neutral and non-polar, at codon 479 of the LIG4 protein (p.Met479Leu). This variant is not present in population databases (gnomAD no frequency). This variant has not been reported in the literature in individuals affected with LIG4-related conditions. ClinVar contains an entry for this variant (Variation ID: 1407115). In summary, the available evidence is currently insufficient to determine the role of this variant in disease. Therefore, it has been classified as a Variant of Uncertain Significance. Algorithms developed to predict the effect of missense changes on protein structure and function (SIFT, PolyPhen-2, Align-GVGD) all suggest that this variant is likely to be tolerated.

NM_206937.2(LIG4):c.1435A>C (p.Met479Leu)

Gene: LIG4 (DNA ligase 4; minus strand). Cytogenetic location: 13q33.3.
Variant type: single nucleotide variant.
Coding change: c.1435A>C on transcript NM_206937.2 (MANE Select); coding-DNA position 1435, A replaced by C.
Protein change: p.Met479Leu; replaces methionine 479 with leucine.
Molecular consequence: missense variant.
Genome position (GRCh38, 1-based): chr13:108,209,834, T>G on the plus strand (A>C on the coding strand, the complement: LIG4 is on the minus strand). VCF-style: chr13-108209834-T-G. GRCh37 (hg19) VCF-style: chr13-108862182-T-G.
Other names: c.1435A>C, p.Met479Leu (NM_001098268.2, NM_001352598.2, NM_001352599.2 and 6 more transcripts); c.1234A>C, p.Met412Leu (NM_001330595.2); c.1471A>C, p.Met491Leu (NM_001352604.2); short protein forms M412L, M479L, M491L.
Identifiers: ClinVar variation 1407115 (VCV001407115.4), dbSNP rs2138973656, ClinGen allele CA388617361.